The following is an entry in ClinVar:

NM_182961.4(SYNE1):c.24221C>G (p.Ser8074Ter)

Gene: SYNE1 (spectrin repeat containing nuclear envelope protein 1; minus strand). Cytogenetic location: 6q25.2.
Variant type: single nucleotide variant.
Coding change: c.24221C>G on transcript NM_182961.4 (MANE Select); coding-DNA position 24221, C replaced by G.
Protein change: p.Ser8074Ter; replaces serine 8074 with a stop codon.
Molecular consequence: nonsense.
Genome position (GRCh38, 1-based): chr6:152,152,050, G>C on the plus strand (C>G on the coding strand, the complement: SYNE1 is on the minus strand). VCF-style: chr6-152152050-G-C. GRCh37 (hg19) VCF-style: chr6-152473185-G-C.
Other names: c.827C>G, p.Ser276Ter (NM_001347701.2); c.686C>G, p.Ser229Ter (NM_001347702.2); c.24008C>G, p.Ser8003Ter (NM_033071.5); short protein forms S229*, S8074*, S8003*, S276*.
Identifiers: ClinVar variation 650439 (VCV000650439.6), dbSNP rs1586296730, ClinGen allele CA366087018.

ClinVar aggregate classification (germline): Pathogenic (1 of 4 stars; one submission).

Conditions:
Emery-Dreifuss muscular dystrophy 4, autosomal dominant (EDMD4). Also called: EMERY-DREIFUSS MUSCULAR DYSTROPHY 4 WITH VARIABLE FEATURES. Identifiers: Orphanet 261, MedGen C2751807, MONDO:0013071, OMIM 612998.
Autosomal recessive ataxia, Beauce type. Also called: Spinocerebellar ataxia, autosomal recessive 8; ATAXIA, RECESSIVE, OF BEAUCE; SYNE1-Related Autosomal Recessive Cerebellar Ataxia; SYNE1 Deficiency. Identifiers: Orphanet 88644, MedGen C1853116, MONDO:0012549, OMIM 610743.

gnomAD v4.1: 1 of 1,614,200 alleles (0.000062%); highest among the groups gnomAD compares: Non-Finnish European, 0.000085%; no homozygotes.

Submission:

Labcorp Genetics (formerly Invitae), Labcorp
Classification: Pathogenic for Emery-Dreifuss muscular dystrophy 4, autosomal dominant; Autosomal recessive ataxia, Beauce type. Last evaluated: 2018-11-16. Review status: criteria provided, single submitter. Criteria: Invitae Variant Classification Sherloc (09022015). Collection method: clinical testing. Allele origin: germline.
Comment: This sequence change creates a premature translational stop signal (p.Ser8003*) in the SYNE1 gene. It is expected to result in an absent or disrupted protein product. For these reasons, this variant has been classified as Pathogenic. Loss-of-function variants in SYNE1 are known to be pathogenic (PMID: 27086870). This variant has not been reported in the literature in individuals with SYNE1-related disease. This variant is not present in population databases (ExAC no frequency).

Literature cited by the submitters: PubMed 27086870.